The following is an entry in ClinVar:

NM_015122.3(FCHO1):c.163_188del (p.Ser55fs)

Gene: FCHO1 (FCH and mu domain containing endocytic adaptor 1; plus strand). Cytogenetic location: 19p13.11.
Variant type: Deletion.
Coding change: c.163_188del on transcript NM_015122.3 (MANE Select); coding-DNA positions 163 to 188, 26 bases deleted (TCCAAGCTGGCCAGCAACGGGACCCC).
Protein change: p.Ser55fs; shifts the reading frame from serine 55.
Molecular consequence: frameshift variant. On other transcripts: non-coding transcript variant (36), intron variant (1).
Genome position (GRCh38, 1-based): chr19:17,764,418-17,764,443, TCCAAGCTGGCCAGCAACGGGACCCC deleted; deleting any 26 consecutive bases within chr19:17,764,417-17,764,443 gives the same sequence; the c. name uses the placement nearest the transcript's 3' end. VCF-style (leftmost placement, unchanged base first): chr19-17764416-TCTCCAAGCTGGCCAGCAACGGGACCC-T. GRCh37 (hg19) VCF-style: chr19-17875225-TCTCCAAGCTGGCCAGCAACGGGACCC-T.
Other names: c.163_188del, p.Ser55fs (NM_001161357.2, NM_001161358.2, NM_001384370.1 and 29 more transcripts); c.13_38del, p.Ser5fs (NM_001161359.2, NM_001384384.1, NM_001384385.1 and 3 more transcripts); c.119+1565_119+1590del (NM_001384390.1); short protein forms S55fs, S5fs.
Identifiers: ClinVar variation 4805852 (VCV004805852.1).
Genomic context (GRCh38, chr19:17,764,416, plus strand): 5'-ACCTCATTCTCCTCCCCAGGGCCACCATCGAGGAGACCTACTCGAAGGCGATGGCGAAAC[TCTCCAAGCTGGCCAGCAACGGGACCC>T]CCATGGGGTGAGTGGGGTAGGGGTCACCAACATGGGGACATTGGGAGCCTCCTCCTTGGT-3'

ClinVar aggregate classification (germline): Pathogenic (1 of 4 stars; one submission).

Submission:

Labcorp Genetics (formerly Invitae), Labcorp
Classification: Pathogenic. Last evaluated: 2025-12-22. Review status: criteria provided, single submitter. Criteria: Invitae Variant Classification Sherloc (09022015). Collection method: clinical testing. Allele origin: germline.
Comment: This sequence change creates a premature translational stop signal (p.Ser55Hisfs*104) in the FCHO1 gene. It is expected to result in an absent or disrupted protein product. Loss-of-function variants in FCHO1 are known to be pathogenic (PMID: 30822429). This variant is present in population databases (rs759209210, gnomAD 0.0009%). This variant has not been reported in the literature in individuals affected with FCHO1-related conditions. For these reasons, this variant has been classified as Pathogenic.

Literature cited by the submitters: PubMed 30822429.